The following is an entry in ClinVar:

NC_012920.1(MT-ATP6):m.8635C>T

Gene: MT-ATP6 (mitochondrially encoded ATP synthase 6; plus strand).
Variant type: single nucleotide variant.
Genome position: chrM-8635-C-T.
Identifiers: ClinVar variation 692934 (VCV000692934.1), dbSNP rs1603221661, ClinGen allele CA414797085.
Genomic context (GRCh38, chrMT:8,635, plus strand): 5'-CTACCCGCCGCAGTACTGATCATTCTATTTCCCCCTCTATTGATCCCCACCTCCAAATAT[C>T]TCATCAACAACCGACTAATCACCACCCAACAATGACTAATCAAACTAACCTCAAAACAAA-3'

ClinVar aggregate classification (germline): Likely benign (1 of 4 stars; one submission).

Conditions:
Leigh syndrome (NULS). Also called: Leigh's necrotizing encephalopathy; Leigh's disease; Leigh Syndrome (mtDNA deletion); Leigh Disease; Subacute necrotizing encephalopathy; Necrotizing encephalopathy infantile subacute of Leigh. Identifiers: Orphanet 506, MedGen C2931891, MONDO:0009723, OMIM 256000.

Submission:

Wong Mito Lab, Molecular and Human Genetics, Baylor College of Medicine
Classification: Likely benign for Leigh syndrome. Last evaluated: 2019-10-17. Review status: criteria provided, single submitter. Criteria: Modified ACMG Guidelines (Unpublished). Collection method: clinical testing. Allele origin: germline.
Comment: The NC_012920.1:m.8635C>T (YP_003024031.1:p.Leu37Phe) variant in MTATP6 gene is interpretated to be a Likely Benign variant based on the modified ACMG guidelines (unpublished). This variant meets the following evidence codes: BP4, BP6